The following is an entry in ClinVar:

ClinVar aggregate classification (germline): Benign. Review status: reviewed by expert panel (3 of 4 stars). 28 submissions from 26 submitters: Benign (1). 27 of the submissions do not count toward it. Last evaluated 2015-01-12.
ClinVar aggregate classification (somatic clinical impact): Tier IV - Benign/Likely benign (0 of 4 stars; one submission).

Conditions:
Hereditary cancer-predisposing syndrome. Also called: Hereditary neoplastic syndrome; Tumor predisposition; Neoplastic Syndromes, Hereditary; Hereditary Cancer Syndrome. Identifiers: Orphanet 140162, MedGen C0027672, MeSH D009386, MONDO:0015356.
Hereditary breast ovarian cancer syndrome. Also called: Hereditary breast and ovarian cancer syndrome; Breast and ovarian cancer; Hereditary breast and ovarian cancer syndrome (HBOC); BRCA1- and BRCA2-Associated Hereditary Breast and Ovarian Cancer; Hereditary breast and ovarian cancer; Hereditary breast and/or ovarian cancer syndrome. Identifiers: Orphanet 145, MedGen C0677776, MeSH D061325, MONDO:0003582. Disease mechanism: loss of function.
Breast-ovarian cancer, familial, susceptibility to, 2 (BROVCA2). Also called: BRCA2 Hereditary Breast and Ovarian Cancer. Identifiers: Orphanet 145, MedGen C2675520, MONDO:0012933, OMIM 612555. Disease mechanism: loss of function.
Fanconi anemia complementation group D1. Also called: BRCA2-Related Fanconi Anemia. Identifiers: Orphanet 319462, MedGen C1838457, MONDO:0011584, OMIM 605724.
Familial cancer of breast. Also called: hereditary breast carcinoma; Hereditary breast cancer; BREAST CANCER, FAMILIAL. Identifiers: Orphanet 227535, MedGen C0346153, MONDO:0016419, OMIM 114480. Disease mechanism: loss of function.

Allele frequency attached by ClinVar (database versions not stated): 1000 Genomes Project 30x 0.20019; TOPMed 0.20668; gnomAD 0.20795 and 0.21336; ESP Exome Variant Server 0.20883; 1000 Genomes Project 0.20927; gnomAD exomes 0.24553 and 0.26223; ExAC 0.24651.
gnomAD v4.1: 412,334 of 1,601,606 alleles (26%); highest among the groups gnomAD compares: East Asian, 42%; 55,659 homozygotes.

Submissions (29):

Evidence-based Network for the Interpretation of Germline Mutant Alleles (ENIGMA)
Classification: Benign for Breast-ovarian cancer, familial 2. Last evaluated: 2015-01-12. Review status: reviewed by expert panel. Criteria: ENIGMA BRCA1/2 Classification Criteria (2015). Collection method: curation. Allele origin: germline.
Comment: Class 1 not pathogenic based on frequency >1% in an outbred sampleset. Frequency 0.3689 (Asian), 0.04878 (African), 0.2282 (European), derived from 1000 genomes (2012-04-30).

Labcorp Genetics (formerly Invitae), Labcorp
Classification: Benign for Hereditary breast ovarian cancer syndrome. Last evaluated: 2026-02-04. Review status: criteria provided, single submitter. Criteria: Invitae Variant Classification Sherloc (09022015). Collection method: clinical testing. Allele origin: germline. Not counted in ClinVar's aggregate classification.

Laboratory of Genetics, Children's Clinical University Hospital Latvia
Classification: Benign. Last evaluated: 2025-02-16. Review status: criteria provided, single submitter. Criteria: ACMG Guidelines, 2015. Collection method: clinical testing. Allele origin: germline. Affected: yes. Not counted in ClinVar's aggregate classification.

KCCC/NGS Laboratory, Kuwait Cancer Control Center
Classification: Benign for Familial cancer of breast. Last evaluated: 2025-02-01. Review status: criteria provided, single submitter. Criteria: ACMG Guidelines, 2015. Collection method: clinical testing. Allele origin: germline. Affected: no. Not counted in ClinVar's aggregate classification.

Blueprint Genetics
Classification: Benign. Last evaluated: 2024-11-27. Review status: criteria provided, single submitter. Criteria: ACMG Guidelines, 2015. Collection method: clinical testing. Allele origin: germline. Not counted in ClinVar's aggregate classification.

KCCC/NGS Laboratory, Kuwait Cancer Control Center
Classification: Benign for Breast-ovarian cancer, familial, susceptibility to, 2. Last evaluated: 2023-07-07. Review status: criteria provided, single submitter. Criteria: ACMG Guidelines, 2015. Collection method: clinical testing. Allele origin: germline. Affected: yes. Not counted in ClinVar's aggregate classification.

National Health Laboratory Service, Universitas Academic Hospital and University of the Free State
Classification: Benign for Hereditary breast ovarian cancer syndrome. Last evaluated: 2022-04-19. Review status: criteria provided, single submitter. Criteria: ACMG Guidelines, 2015. Collection method: clinical testing. Allele origin: germline. Affected: yes. Observed: 298 variant alleles. Not counted in ClinVar's aggregate classification.

Women's Health and Genetics/Laboratory Corporation of America, LabCorp
Classification: Benign. Last evaluated: 2020-05-27. Review status: criteria provided, single submitter. Criteria: LabCorp Variant Classification Summary - May 2015. Collection method: clinical testing. Allele origin: germline. Not counted in ClinVar's aggregate classification.

ARUP Laboratories, Molecular Genetics and Genomics, ARUP Laboratories
Classification: Benign. Last evaluated: 2020-04-24. Review status: criteria provided, single submitter. Criteria: ARUP Molecular Germline Variant Investigation Process. Collection method: clinical testing. Allele origin: germline. Not counted in ClinVar's aggregate classification.

GeneKor MSA
Classification: Benign. Last evaluated: 2017-11-01. Review status: criteria provided, single submitter. Criteria: ACMG Guidelines, 2015. Collection method: clinical testing. Allele origin: germline. Affected: yes. Not counted in ClinVar's aggregate classification.

Illumina Laboratory Services, Illumina
Classification: Benign for Fanconi anemia complementation group D1. Last evaluated: 2017-04-27. Review status: criteria provided, single submitter. Criteria: ICSL Variant Classification Criteria 13 December 2019. Collection method: clinical testing. Allele origin: germline. Not counted in ClinVar's aggregate classification.
Comment: This variant was observed as part of a predisposition screen in an ostensibly healthy population. A literature search was performed for the gene, cDNA change, and amino acid change (where applicable). No publications were found based on this search. Allele frequency data from public databases was too high to be consistent with this variant causing disease. Therefore, this variant is classified as benign.

Illumina Laboratory Services, Illumina
Classification: Benign for Breast-ovarian cancer, familial, susceptibility to, 2. Last evaluated: 2017-04-27. Review status: criteria provided, single submitter. Criteria: ICSL Variant Classification Criteria 13 December 2019. Collection method: clinical testing. Allele origin: germline. Not counted in ClinVar's aggregate classification.
Comment: This variant was observed as part of a predisposition screen in an ostensibly healthy population. A literature search was performed for the gene, cDNA change, and amino acid change (where applicable). Publications were found based on this search. The evidence from the literature, in combination with allele frequency data from public databases where available, was sufficient to rule this variant out of causing disease. Therefore, this variant is classified as benign.

Fulgent Genetics
Classification: Benign for Breast-ovarian cancer, familial, susceptibility to, 2. Last evaluated: 2016-02-08. Review status: criteria provided, single submitter. Criteria: ACMG Guidelines, 2015. Collection method: clinical testing. Allele origin: unknown. Not counted in ClinVar's aggregate classification.

Clinical Genetics DNA and cytogenetics Diagnostics Lab, Erasmus MC, Erasmus Medical Center
Classification: Benign for Breast-ovarian cancer, familial, susceptibility to, 2. Last evaluated: 2015-09-21. Review status: criteria provided, single submitter. Criteria: ACGS Guidelines, 2013. Collection method: clinical testing. Allele origin: germline. Affected: yes. Study: VKGL Data-share Consensus. Not counted in ClinVar's aggregate classification.

Color Diagnostics, LLC DBA Color Health
Classification: Benign for Hereditary cancer-predisposing syndrome. Last evaluated: 2015-03-09. Review status: criteria provided, single submitter. Criteria: ACMG Guidelines, 2015. Collection method: clinical testing. Allele origin: germline. Not counted in ClinVar's aggregate classification.

GeneDx
Classification: Benign. Last evaluated: 2015-03-03. Review status: criteria provided, single submitter. Criteria: GeneDx Variant Classification Process June 2021. Collection method: clinical testing. Allele origin: germline. Affected: yes. Not counted in ClinVar's aggregate classification.
Comment: This variant is associated with the following publications: (PMID: 32398771, 17945002, 23249957, 20352487, 22513257, 16760289)

Ambry Genetics
Classification: Benign for Hereditary cancer-predisposing syndrome. Last evaluated: 2014-11-19. Review status: criteria provided, single submitter. Criteria: Ambry Variant Classification Scheme 2023. Collection method: clinical testing. Allele origin: germline. Not counted in ClinVar's aggregate classification.

Molecular Genetics Laboratory, University of Michigan
Classification: Benign for Breast-ovarian cancer, familial, susceptibility to, 2. Last evaluated: 2014-11-03. Review status: criteria provided, single submitter. Criteria: ACMG Guidelines, 2015. Collection method: clinical testing. Allele origin: germline. Affected: yes. Not counted in ClinVar's aggregate classification.

Genome Diagnostics Laboratory, University Medical Center Utrecht
Classification: Benign for Breast-ovarian cancer, familial, susceptibility to, 2. Last evaluated: 2014-10-09. Review status: criteria provided, single submitter. Criteria: ACGS Guidelines, 2013. Collection method: clinical testing. Allele origin: germline. Affected: yes. Study: VKGL Data-share Consensus. Not counted in ClinVar's aggregate classification.

Breakthrough Genomics
Classification: Benign. Review status: criteria provided, single submitter. Criteria: ACMG Guidelines, 2015. Collection method: not provided. Allele origin: germline. Inheritance: Autosomal recessive inheritance. Affected: yes. Not counted in ClinVar's aggregate classification.

GreenArray Genomic Research & Solutions of Accurate Diagnostic Private Limited
Classification: Benign for Breast-ovarian cancer, familial, susceptibility to, 2. Review status: criteria provided, single submitter. Criteria: ACMG Guidelines, 2015. Collection method: clinical testing. Allele origin: germline. Affected: no. Not counted in ClinVar's aggregate classification.

PreventionGenetics, part of Exact Sciences
Classification: Benign. Review status: criteria provided, single submitter. Criteria: ACMG Guidelines, 2015. Collection method: clinical testing. Allele origin: germline. Not counted in ClinVar's aggregate classification.

Sharing Clinical Reports Project (SCRP)
Classification: Benign for Breast-ovarian cancer, familial 2. Last evaluated: 2011-03-17. Review status: no assertion criteria provided. Collection method: clinical testing. Allele origin: germline. Not counted in ClinVar's aggregate classification.

Breast Cancer Information Core (BIC) (BRCA2)
Classification: Benign for Breast-ovarian cancer, familial 2. Last evaluated: 2002-05-29. Review status: no assertion criteria provided. Collection method: clinical testing. Allele origin: germline, unknown. Affected: yes. Observed: 214 variant alleles. Not counted in ClinVar's aggregate classification.

Clinical Genetics Laboratory, Department of Pathology, Netherlands Cancer Institute
Classification: Benign. Review status: no assertion criteria provided. Collection method: clinical testing. Allele origin: germline. Affected: yes. Study: VKGL Data-share Consensus. Not counted in ClinVar's aggregate classification.

Department of Pathology and Laboratory Medicine, Sinai Health System
Classification: Benign. Review status: no assertion criteria provided. Collection method: clinical testing. Allele origin: unknown. Affected: yes. Study: The Canadian Open Genetics Repository (COGR). Not counted in ClinVar's aggregate classification.

Faculté Pluridciplinaire Nador, Université Mohamed Premier
Classification: Tier IV - Benign/Likely benign for Familial cancer of breast. Review status: no assertion criteria provided. Collection method: research. Allele origin: somatic. Affected: yes.
Comment: The following databases and algorithms are used to annotate and evaluate the impact of the variant in the context of human disease: 1000 genomes, gnomAD, ClinVar, OMIM, dbSNP, NCIB RefSeq Genes, ExAC Gene Constraints, VS-SIFT, VS-PolyPhen2, PhyloP, GERP++, GeneSplicer, MaxEntScan, NNSplice, PWM Splice Predictor.

Genomic Research Center, Shahid Beheshti University of Medical Sciences
No classification provided. Condition: Familial cancer of breast. Review status: no classification provided. Collection method: not provided. Allele origin: somatic. Not counted in ClinVar's aggregate classification.
ClinVar note: Converted during submission from untested to not provided.

Joint Genome Diagnostic Labs from Nijmegen and Maastricht, Radboudumc and MUMC+
Classification: Benign. Review status: no assertion criteria provided. Collection method: clinical testing. Allele origin: germline. Affected: yes. Study: VKGL Data-share Consensus. Not counted in ClinVar's aggregate classification.

Literature cited by the submitters: DOI 10.3389/fgene.2022.834265 (cited by National Health Laboratory Service, Universitas Academic Hospital and University of the Free State); PubMed 16760289 (cited by Illumina Laboratory Services, Illumina).

NM_000059.4(BRCA2):c.-26G>A

Gene: BRCA2 (BRCA2 DNA repair associated; plus strand). Cytogenetic location: 13q13.1.
Variant type: single nucleotide variant.
Coding change: c.-26G>A on transcript NM_000059.4 (MANE Select); 26 bases upstream of the start codon, G replaced by A.
Molecular consequence: 5 prime UTR variant.
Genome position (GRCh38, 1-based): chr13:32,316,435, G>A. VCF-style: chr13-32316435-G-A. GRCh37 (hg19) VCF-style: chr13-32890572-G-A.
Other names: 203G/A; 203G>A; 203 G>A; 5'UTR203G>A.
Identifiers: ClinVar variation 125965 (VCV000125965.61), dbSNP rs1799943, ClinGen allele CA016113.